The following is an entry in ClinVar:

ClinVar aggregate classification (germline): Uncertain significance (1 of 4 stars; one submission).

Allele frequency attached by ClinVar (database versions not stated): gnomAD exomes below 0.00001; TOPMed below 0.00001; ExAC 0.00001; gnomAD 0.00001.
gnomAD v4.1: 11 of 1,613,624 alleles (0.00068%); highest among the groups gnomAD compares: African/African-American, 0.0053%; no homozygotes.

Submission:

Labcorp Genetics (formerly Invitae), Labcorp
Classification: Uncertain significance. Last evaluated: 2024-02-24. Review status: criteria provided, single submitter. Criteria: Invitae Variant Classification Sherloc (09022015). Collection method: clinical testing. Allele origin: germline.
Comment: This sequence change replaces threonine, which is neutral and polar, with alanine, which is neutral and non-polar, at codon 720 of the HPS6 protein (p.Thr720Ala). This variant is present in population databases (rs777646137, gnomAD 0.0009%). This variant has not been reported in the literature in individuals affected with HPS6-related conditions. ClinVar contains an entry for this variant (Variation ID: 1362020). Advanced modeling of protein sequence and biophysical properties (such as structural, functional, and spatial information, amino acid conservation, physicochemical variation, residue mobility, and thermodynamic stability) performed at Invitae indicates that this missense variant is not expected to disrupt HPS6 protein function with a negative predictive value of 80%. In summary, the available evidence is currently insufficient to determine the role of this variant in disease. Therefore, it has been classified as a Variant of Uncertain Significance.

NM_024747.6(HPS6):c.2158A>G (p.Thr720Ala)

Gene: HPS6 (HPS6 biogenesis of lysosomal organelles complex 2 subunit 3; plus strand). Cytogenetic location: 10q24.32.
Variant type: single nucleotide variant.
Coding change: c.2158A>G on transcript NM_024747.6 (MANE Select); coding-DNA position 2158, A replaced by G.
Protein change: p.Thr720Ala; replaces threonine 720 with alanine.
Molecular consequence: missense variant.
Genome position (GRCh38, 1-based): chr10:102,067,632, A>G. VCF-style: chr10-102067632-A-G. GRCh37 (hg19) VCF-style: chr10-103827389-A-G.
Other names: short protein forms T720A.
Identifiers: ClinVar variation 1362020 (VCV001362020.6), dbSNP rs777646137, ClinGen allele CA5660115.